The following is an entry in ClinVar:

NM_001792.5(CDH2):c.1883A>G (p.Tyr628Cys)

Gene: CDH2 (cadherin 2; minus strand). Cytogenetic location: 18q12.1.
Variant type: single nucleotide variant.
Coding change: c.1883A>G on transcript NM_001792.5 (MANE Select); coding-DNA position 1883, A replaced by G.
Protein change: p.Tyr628Cys; replaces tyrosine 628 with cysteine.
Molecular consequence: missense variant.
Genome position (GRCh38, 1-based): chr18:27,985,620, T>C on the plus strand (A>G on the coding strand, the complement: CDH2 is on the minus strand). VCF-style: chr18-27985620-T-C. GRCh37 (hg19) VCF-style: chr18-25565584-T-C.
Other names: c.1790A>G, p.Tyr597Cys (NM_001308176.2); short protein forms Y597C, Y628C.
Identifiers: ClinVar variation 1781924 (VCV001781924.4), dbSNP rs753064228, ClinGen allele CA8923283.
Genomic context (GRCh38, chr18:27,985,620, plus strand): 5'-ATAGTCACTGGAGATAAAGGAAGATCAAAAGCAAATGGTCCAGCATTTGGATCAATGTCA[T>C]AATCAAGTGCTGTAATATTAATTGAATTGGGGTCTGGAGTTTCGCAAGTCTCTGCCTCTT-3'
Protein context (NP_001783.2, residues 618-638): PNSINITALD[Tyr628Cys]DIDPNAGPFA

ClinVar aggregate classification (germline): Conflicting classifications of pathogenicity. Review status: criteria provided, conflicting classifications (1 of 4 stars). 2 submissions from 2 submitters: Uncertain significance (1); Likely benign (1). Last evaluated 2024-12-02.

Conditions:
Inborn genetic diseases. Identifiers: MedGen C0950123, MeSH D030342.

Allele frequency attached by ClinVar (database versions not stated): ExAC 0.00002; gnomAD exomes 0.00002.
gnomAD v4.1: 10 of 1,613,872 alleles (0.00062%); highest among the groups gnomAD compares: Admixed American, 0.017%; no homozygotes.

Submissions (2):

Labcorp Genetics (formerly Invitae), Labcorp
Classification: Uncertain significance. Last evaluated: 2024-12-02. Review status: criteria provided, single submitter. Criteria: Invitae Variant Classification Sherloc (09022015). Collection method: clinical testing. Allele origin: germline.
Comment: This sequence change replaces tyrosine, which is neutral and polar, with cysteine, which is neutral and slightly polar, at codon 628 of the CDH2 protein (p.Tyr628Cys). This variant is present in population databases (rs753064228, gnomAD 0.03%). This variant has not been reported in the literature in individuals affected with CDH2-related conditions. ClinVar contains an entry for this variant (Variation ID: 1781924). An algorithm developed to predict the effect of missense changes on protein structure and function (PolyPhen-2) suggests that this variant is likely to be disruptive. In summary, the available evidence is currently insufficient to determine the role of this variant in disease. Therefore, it has been classified as a Variant of Uncertain Significance.

Ambry Genetics
Classification: Likely benign for Inborn genetic diseases. Last evaluated: 2022-04-09. Review status: criteria provided, single submitter. Criteria: Ambry Variant Classification Scheme 2023. Collection method: clinical testing. Allele origin: germline.